The following is an entry in ClinVar:

ClinVar aggregate classification (germline): Likely pathogenic. Review status: criteria provided, single submitter (1 of 4 stars). 2 submissions from 2 submitters: Likely pathogenic (1). 1 of the submissions does not count toward it. Last evaluated 2020-11-12.

Conditions:
Branchiooculofacial syndrome (BOFS). Also called: Branchio-Oculo-Facial Syndrome; BOF SYNDROME; HEMANGIOMATOUS BRANCHIAL CLEFTS-LIP PSEUDOCLEFT SYNDROME; LIP PSEUDOCLEFT-HEMANGIOMATOUS BRANCHIAL CYST SYNDROME. Identifiers: Orphanet 1297, MedGen C0376524, MeSH D019280, MONDO:0007235, OMIM 113620.
TFAP2A-related disorder. Also called: TFAP2A-related condition.

Submissions (2):

Genetics and Molecular Pathology, SA Pathology
Classification: Likely pathogenic for Branchiooculofacial syndrome. Last evaluated: 2020-11-12. Review status: criteria provided, single submitter. Criteria: ACMG Guidelines, 2015. Collection method: clinical testing. Allele origin: germline. Inheritance: Autosomal dominant inheritance. Affected: yes.
Comment: The TFAP2A c.681C>G variant is classified as Likely Pathogenic (PVS1, PM2) The TFAP2A c.681C>G variant is a single nucleotide change which is predicted to result in premature termination of the protein product at codon 227. This variant is absent from population databases (PM2). This variant is in exon 4 of 7 which encodes the DNA binding domain and which is a known mutational hotspot (PMID: 23578821).

PreventionGenetics, part of Exact Sciences
Classification: Likely pathogenic for TFAP2A-related condition. Last evaluated: 2023-12-27. Review status: no assertion criteria provided. Collection method: clinical testing. Allele origin: germline. Not counted in ClinVar's aggregate classification.
Comment: The TFAP2A c.681C>G variant is predicted to result in premature protein termination (p.Tyr227*). To our knowledge, this variant has not been reported in the literature or in a large population database, indicating this variant is rare. Nonsense variants in TFAP2A are expected to be pathogenic. This variant is interpreted as likely pathogenic.

Literature cited by the submitters: PubMed 23578821 (cited by Genetics and Molecular Pathology, SA Pathology).

NM_001372066.1(TFAP2A):c.687C>G (p.Tyr229Ter)

Genes: TFAP2A (transcription factor AP-2 alpha; minus strand), TFAP2A-AS2 (TFAP2A antisense RNA 2; plus strand), LOC121740638 (BRD4-independent group 4 enhancer GRCh37_chr6:10403277-10404476; plus strand). Cytogenetic location: 6p24.3.
Variant type: single nucleotide variant.
Coding change: c.687C>G on transcript NM_001372066.1 (MANE Select); coding-DNA position 687, C replaced by G.
Protein change: p.Tyr229Ter; replaces tyrosine 229 with a stop codon.
Molecular consequence: nonsense. On other transcripts: non-coding transcript variant (1).
Genome position (GRCh38, 1-based): chr6:10,404,591, G>C on the plus strand (C>G on the coding strand, the complement: TFAP2A is on the minus strand). VCF-style: chr6-10404591-G-C. GRCh37 (hg19) VCF-style: chr6-10404824-G-C.
Other names: NM_003220.2:c.681C>G; c.663C>G, p.Tyr221Ter (NM_001032280.3); c.669C>G, p.Tyr223Ter (NM_001042425.3); short protein forms Y221*, Y223*, Y229*.
Identifiers: ClinVar variation 1698731 (VCV001698731.4), dbSNP rs2114014460, ClinGen allele CA362701370.
Genomic context (GRCh38, chr6:10,404,591, plus strand): 5'-CGACGCGTTGAGACACTCGGGTGGTGAGAGCCGCCGCTGCACTTCCGCCACCGTGACCTT[G>C]TACTTCGAGGTGGAGCTGAGGAGCGAGAGGCGACCCGGAACTGAACAGAAGACTTCGTTG-3'